The following is an entry in ClinVar:

NM_206933.4(USH2A):c.7157T>C (p.Val2386Ala)

Gene: USH2A (usherin; minus strand). Cytogenetic location: 1q41.
Variant type: single nucleotide variant.
Coding change: c.7157T>C on transcript NM_206933.4 (MANE Select); coding-DNA position 7157, T replaced by C.
Protein change: p.Val2386Ala; replaces valine 2386 with alanine.
Molecular consequence: missense variant.
Genome position (GRCh38, 1-based): chr1:215,934,759, A>G on the plus strand (T>C on the coding strand, the complement: USH2A is on the minus strand). VCF-style: chr1-215934759-A-G. GRCh37 (hg19) VCF-style: chr1-216108101-A-G.
Other names: short protein forms V2386A.
Identifiers: ClinVar variation 1010639 (VCV001010639.7), dbSNP rs750076512, ClinGen allele CA1394926.

ClinVar aggregate classification (germline): Uncertain significance. Review status: criteria provided, multiple submitters, no conflicts (2 of 4 stars). 2 submissions from 2 submitters: Uncertain significance (2). Last evaluated 2022-08-23.

Allele frequency attached by ClinVar (database versions not stated): gnomAD exomes below 0.00001; ExAC 0.00001; gnomAD 0.00002; TOPMed 0.00002.
gnomAD v4.1: 5 of 1,612,514 alleles (0.00031%); highest among the groups gnomAD compares: African/African-American, 0.0053%; no homozygotes.

Submissions (2):

Labcorp Genetics (formerly Invitae), Labcorp
Classification: Uncertain significance. Last evaluated: 2022-08-23. Review status: criteria provided, single submitter. Criteria: Invitae Variant Classification Sherloc (09022015). Collection method: clinical testing. Allele origin: germline.
Comment: This sequence change replaces valine, which is neutral and non-polar, with alanine, which is neutral and non-polar, at codon 2386 of the USH2A protein (p.Val2386Ala). This variant is present in population databases (rs750076512, gnomAD 0.008%). This variant has not been reported in the literature in individuals affected with USH2A-related conditions. ClinVar contains an entry for this variant (Variation ID: 1010639). Algorithms developed to predict the effect of missense changes on protein structure and function (SIFT, PolyPhen-2, Align-GVGD) all suggest that this variant is likely to be tolerated. In summary, the available evidence is currently insufficient to determine the role of this variant in disease. Therefore, it has been classified as a Variant of Uncertain Significance.

Blueprint Genetics
Classification: Uncertain significance. Last evaluated: 2021-03-16. Review status: criteria provided, single submitter. Criteria: ACMG Guidelines, 2015. Collection method: clinical testing. Allele origin: germline.